The following is an entry in ClinVar:

ClinVar aggregate classification (germline): Uncertain significance (1 of 4 stars; one submission).

Conditions:
Cardiovascular phenotype. Identifiers: MedGen CN230736.

Allele frequency attached by ClinVar (database versions not stated): TOPMed below 0.00001; gnomAD 0.00001.
gnomAD v4.1: 1 of 1,613,800 alleles (0.000062%); highest among the groups gnomAD compares: Non-Finnish European, 0.000085%; no homozygotes.

Submission:

Ambry Genetics
Classification: Uncertain significance for Cardiovascular phenotype. Last evaluated: 2020-01-24. Review status: criteria provided, single submitter. Criteria: Ambry Variant Classification Scheme 2023. Collection method: clinical testing. Allele origin: germline.
Comment: The p.K4045R variant (also known as c.12134A>G), located in coding exon 90 of the RYR2 gene, results from an A to G substitution at nucleotide position 12134. The lysine at codon 4045 is replaced by arginine, an amino acid with highly similar properties. This amino acid position is highly conserved in available vertebrate species. In addition, the in silico prediction for this alteration is inconclusive. Since supporting evidence is limited at this time, the clinical significance of this alteration remains unclear.

NM_001035.3(RYR2):c.12134A>G (p.Lys4045Arg)

Gene: RYR2 (ryanodine receptor 2; plus strand). Cytogenetic location: 1q43.
Variant type: single nucleotide variant.
Coding change: c.12134A>G on transcript NM_001035.3 (MANE Select); coding-DNA position 12134, A replaced by G.
Protein change: p.Lys4045Arg; replaces lysine 4045 with arginine.
Molecular consequence: missense variant.
Genome position (GRCh38, 1-based): chr1:237,783,846, A>G. VCF-style: chr1-237783846-A-G. GRCh37 (hg19) VCF-style: chr1-237947146-A-G.
Other names: short protein forms K4045R.
Identifiers: ClinVar variation 1750861 (VCV001750861.2), dbSNP rs1288818112, ClinGen allele CA345412216.
Genomic context (GRCh38, chr1:237,783,846, plus strand): 5'-ATTTGACGTCGTCTGATACTTTTAAAGAATATGACCCCGATGGCAAGGGAGTCATTTCCA[A>G]GAGGGACTTCCACAAAGCGATGGAGAGCCATAAGCACTACACGCAGTCAGAAACGGAATT-3'
Protein context (NP_001026.2, residues 4035-4055): YDPDGKGVIS[Lys4045Arg]RDFHKAMESH